The following is an entry in ClinVar:

ClinVar aggregate classification (germline): Pathogenic (1 of 4 stars; one submission).

Submission:

Labcorp Genetics (formerly Invitae), Labcorp
Classification: Pathogenic. Last evaluated: 2024-04-02. Review status: criteria provided, single submitter. Criteria: Invitae Variant Classification Sherloc (09022015). Collection method: clinical testing. Allele origin: germline.
Comment: This sequence change creates a premature translational stop signal (p.Tyr631*) in the MTTP gene. It is expected to result in an absent or disrupted protein product. Loss-of-function variants in MTTP are known to be pathogenic (PMID: 8533758, 9671739). This variant is not present in population databases (gnomAD no frequency). This variant has not been reported in the literature in individuals affected with MTTP-related conditions. Algorithms developed to predict the effect of sequence changes on RNA splicing suggest that this variant may disrupt the consensus splice site. For these reasons, this variant has been classified as Pathogenic.

Literature cited by the submitters: PubMed 8533758; PubMed 9671739.

NM_001386140.1(MTTP):c.1893C>G (p.Tyr631Ter)

Gene: MTTP (microsomal triglyceride transfer protein; plus strand). Cytogenetic location: 4q23.
Variant type: single nucleotide variant.
Coding change: c.1893C>G on transcript NM_001386140.1 (MANE Select); coding-DNA position 1893, C replaced by G.
Protein change: p.Tyr631Ter; replaces tyrosine 631 with a stop codon.
Molecular consequence: nonsense.
Genome position (GRCh38, 1-based): chr4:99,611,357, C>G. VCF-style: chr4-99611357-C-G. GRCh37 (hg19) VCF-style: chr4-100532514-C-G.
Other names: c.1893C>G, p.Tyr631Ter (NM_000253.4); c.1644C>G, p.Tyr548Ter (NM_001300785.2); short protein forms Y548*, Y631*.
Identifiers: ClinVar variation 3645379 (VCV003645379.2).